The following is an entry in ClinVar:

NM_001290060.2(SEMA3B):c.40G>C (p.Ala14Pro)

Gene: SEMA3B (semaphorin 3B; plus strand). Cytogenetic location: 3p21.31.
Variant type: single nucleotide variant.
Coding change: c.40G>C on transcript NM_001290060.2 (MANE Select); coding-DNA position 40, G replaced by C.
Protein change: p.Ala14Pro; replaces alanine 14 with proline.
Molecular consequence: missense variant.
Genome position (GRCh38, 1-based): chr3:50,269,280, G>C. VCF-style: chr3-50269280-G-C. GRCh37 (hg19) VCF-style: chr3-50306712-G-C.
Other names: c.40G>C, p.Ala14Pro (NM_001005914.3, NM_001290061.1, NM_001435956.1 and 3 more transcripts); short protein forms A14P.
Identifiers: ClinVar variation 4999904 (VCV004999904.1).

ClinVar aggregate classification (germline): Uncertain significance (1 of 4 stars; one submission).

Conditions:
SEMA3B-related disorder. Also called: SEMA3B-related condition.

Submission:

PreventionGenetics, part of Exact Sciences
Classification: Uncertain significance for SEMA3B-related condition. Last evaluated: 2026-04-26. Review status: criteria provided, single submitter. Criteria: ACMG Guidelines, 2015. Collection method: clinical testing. Allele origin: germline.
Comment: The SEMA3B c.40G>C variant is predicted to result in the amino acid substitution p.Ala14Pro. To our knowledge, this variant has not been reported in the literature or in a large population database (gnomAD), indicating this variant is rare. At this time, the clinical significance of this variant is uncertain due to the absence of conclusive functional and genetic evidence.